The following is an entry in ClinVar:

GRCh37/hg19 16p12.2(chr16:23619233-23625407)x1

Gene: PALB2 (partner and localizer of BRCA2; minus strand). Cytogenetic location: 16p12.2.
Variant type: copy number loss.
Change: copy number 1 (one copy instead of two) of chr16:23,619,233-23,625,407 (6.2 kb, GRCh37 coordinates, 1-based), cytogenetic band 16p12.2.
Identifiers: ClinVar variation 3338429 (VCV003338429.1).

ClinVar aggregate classification (germline): Likely pathogenic (0 of 4 stars; one submission).

Conditions:
Fanconi anemia complementation group N. Also called: PALB2-Related Fanconi Anemia. Identifiers: Orphanet 84, MedGen C1835817, MONDO:0012565, OMIM 610832. Disease mechanism: loss of function.

Submission:

Solve-RD Consortium
Classification: Likely pathogenic for Fanconi anemia complementation group N. Last evaluated: 2024-06-01. Review status: no assertion criteria provided. Collection method: provider interpretation. Allele origin: germline. Affected: yes.
Comment: This CNV was confirmed by the submitting clinician to impact a gene that corresponds with the phenotype of the affected individual, and thus deemed to be causative for their condition.

Literature cited by the submitters: PubMed 39825153.